The following is an entry in ClinVar:

NM_000352.6(ABCC8):c.394T>C (p.Phe132Leu)

Gene: ABCC8 (ATP binding cassette subfamily C member 8; minus strand). Cytogenetic location: 11p15.1.
Variant type: single nucleotide variant.
Coding change: c.394T>C on transcript NM_000352.6 (MANE Select); coding-DNA position 394, T replaced by C.
Protein change: p.Phe132Leu; replaces phenylalanine 132 with leucine.
Molecular consequence: missense variant. On other transcripts: non-coding transcript variant (1).
Genome position (GRCh38, 1-based): chr11:17,470,119, A>G on the plus strand (T>C on the coding strand, the complement: ABCC8 is on the minus strand). VCF-style: chr11-17470119-A-G. GRCh37 (hg19) VCF-style: chr11-17491666-A-G.
Other names: c.394T>C, p.Phe132Leu (NM_001287174.3, NM_001351295.2, NM_001351296.2 and 1 more transcripts); short protein forms F132L.
Identifiers: ClinVar variation 9102 (VCV000009102.13), dbSNP rs80356637, ClinGen allele CA120110.

ClinVar aggregate classification (germline): Pathogenic/Likely pathogenic. Review status: criteria provided, multiple submitters, no conflicts (2 of 4 stars). 4 submissions from 4 submitters: Pathogenic (1); Likely pathogenic (1). 2 of the submissions do not count toward it. Last evaluated 2021-01-19.

Conditions:
Diabetes mellitus, permanent neonatal 3. Also called: ABCC8-Related Permanent Neonatal Diabetes Mellitus. Identifiers: MedGen C5394303, MONDO:0030088, OMIM 618857.
Neonatal diabetes mellitus (NDM). Identifiers: Orphanet 224, MedGen C0158981, MONDO:0016391.
Permanent neonatal diabetes mellitus (PNDM). Identifiers: Orphanet 99885, MedGen C1833104, MONDO:0100164, MONDO:0011643. Disease mechanism: gain of function.

Submissions (4):

Labcorp Genetics (formerly Invitae), Labcorp
Classification: Pathogenic. Last evaluated: 2021-01-19. Review status: criteria provided, single submitter. Criteria: Invitae Variant Classification Sherloc (09022015). Collection method: clinical testing. Allele origin: germline.
Comment: This sequence change replaces phenylalanine with leucine at codon 132 of the ABCC8 protein (p.Phe132Leu). The phenylalanine residue is moderately conserved and there is a small physicochemical difference between phenylalanine and leucine. This variant is not present in population databases (ExAC no frequency). This variant has been observed in individual(s) with autosomal dominant permanent neonatal diabetes mellitus (PMID: 16613899). In at least one individual the variant was observed to be de novo. ClinVar contains an entry for this variant (Variation ID: 9102). Advanced modeling of protein sequence and biophysical properties (such as structural, functional, and spatial information, amino acid conservation, physicochemical variation, residue mobility, and thermodynamic stability) performed at Invitae indicates that this missense variant is expected to disrupt ABCC8 protein function. For these reasons, this variant has been classified as Pathogenic.

Molecular Genetics, Madras Diabetes Research Foundation
Classification: Likely pathogenic for Neonatal diabetes mellitus. Review status: criteria provided, single submitter. Criteria: ACMG Guidelines, 2015. Collection method: clinical testing. Allele origin: germline. Affected: yes.

OMIM
Classification: Pathogenic for DIABETES MELLITUS, PERMANENT NEONATAL, 3, WITH NEUROLOGIC FEATURES. Last evaluated: 2006-06-01. Review status: no assertion criteria provided. Collection method: literature only. Allele origin: germline. Not counted in ClinVar's aggregate classification.

GeneReviews
No classification provided. Condition: Permanent neonatal diabetes mellitus. Review status: no classification provided. Collection method: literature only. Allele origin: unknown. Not counted in ClinVar's aggregate classification.

Literature cited by the submitters: PubMed 16613899 (cited by 3 submitters); PubMed 32893419 (cited by Molecular Genetics, Madras Diabetes Research Foundation); PubMed 20301620 (cited by GeneReviews); NCBI Bookshelf NBK1447 (cited by GeneReviews).